The following is an entry in ClinVar:

NM_006172.4(NPPA):c.16ACC[2] (p.Thr8del)

Genes: NPPA (natriuretic peptide A; minus strand), LOC114827827 (VISTA enhancer hs2123; plus strand). Cytogenetic location: 1p36.22.
Variant type: Microsatellite.
Coding change: c.16ACC[2] on transcript NM_006172.4 (MANE Select); two copies in a row of the 3-base unit ACC starting at c.16; the reference has three copies in a row; one copy, 3 bases deleted.
Protein change: p.Thr8del; deletes threonine 8.
Molecular consequence: inframe deletion.
Genome position (GRCh38, 1-based): chr1:11,847,661-11,847,663, GGT deleted on the plus strand (ACC on the coding strand, the reverse complement: NPPA is on the minus strand); deleting any 3 consecutive bases within chr1:11,847,661-11,847,671 gives the same sequence; the position shown is the placement nearest the transcript's 3' end. VCF-style (leftmost placement, unchanged base first): chr1-11847660-CGGT-C. GRCh37 (hg19) VCF-style: chr1-11907717-CGGT-C.
Other names: short protein forms T8del.
Identifiers: ClinVar variation 842219 (VCV000842219.7), dbSNP rs760300711, ClinGen allele CA597130.

ClinVar aggregate classification (germline): Uncertain significance (1 of 4 stars; one submission).

Conditions:
Atrial fibrillation, familial, 6 (ATFB6). Identifiers: MedGen C2677294, MONDO:0012816, OMIM 612201.

Submission:

Labcorp Genetics (formerly Invitae), Labcorp
Classification: Uncertain significance for Atrial fibrillation, familial, 6. Last evaluated: 2025-04-20. Review status: criteria provided, single submitter. Criteria: Invitae Variant Classification Sherloc (09022015). Collection method: clinical testing. Allele origin: germline.
Comment: This variant, c.22_24del, results in the deletion of 1 amino acid(s) of the NPPA protein (p.Thr8del), but otherwise preserves the integrity of the reading frame. This variant is present in population databases (rs772709966, gnomAD 0.04%). This variant has not been reported in the literature in individuals affected with NPPA-related conditions. ClinVar contains an entry for this variant (Variation ID: 842219). Experimental studies and prediction algorithms are not available or were not evaluated, and the functional significance of this variant is currently unknown. In summary, the available evidence is currently insufficient to determine the role of this variant in disease. Therefore, it has been classified as a Variant of Uncertain Significance.